The following is an entry in ClinVar:

ClinVar aggregate classification (germline): Uncertain significance (1 of 4 stars; one submission).

Conditions:
Stickler syndrome type 2 (STL2). Also called: COL11A1-Related Stickler Syndrome; STICKLER SYNDROME, BEADED VITREOUS TYPE; STICKLER SYNDROME, VITREOUS TYPE 2; STICKLER SYNDROME, TYPE II. Identifiers: Orphanet 828, Orphanet 90654, MedGen C1858084, MONDO:0011493, OMIM 604841.

Submission:

3billion
Classification: Uncertain significance for Stickler syndrome type 2. Last evaluated: 2023-02-23. Review status: criteria provided, single submitter. Criteria: ACMG Guidelines, 2015. Collection method: clinical testing. Allele origin: unknown. Affected: yes.
Comment: The variant is not observed in the gnomAD v2.1.1 dataset. In silico tool predictions suggest damaging effect of the variant on gene or gene product (REVEL: 0.98; 3Cnet: 0.94). Therefore, this variant is classified as VUS according to the recommendation of ACMG/AMP guideline.

NM_001854.4(COL11A1):c.1927G>C (p.Gly643Arg)

Gene: COL11A1 (collagen type XI alpha 1 chain; minus strand). Cytogenetic location: 1p21.1.
Variant type: single nucleotide variant.
Coding change: c.1927G>C on transcript NM_001854.4 (MANE Select); coding-DNA position 1927, G replaced by C.
Protein change: p.Gly643Arg; replaces glycine 643 with arginine.
Molecular consequence: missense variant. On other transcripts: non-coding transcript variant (1).
Genome position (GRCh38, 1-based): chr1:103,004,461, C>G on the plus strand (G>C on the coding strand, the complement: COL11A1 is on the minus strand). VCF-style: chr1-103004461-C-G. GRCh37 (hg19) VCF-style: chr1-103470017-C-G.
Other names: c.1579G>C, p.Gly527Arg (NM_001168249.1, NM_080630.4); c.1810G>C, p.Gly604Arg (NM_001190709.2); c.1963G>C, p.Gly655Arg (NM_080629.3); short protein forms G527R, G604R, G643R, G655R.
Identifiers: ClinVar variation 2444157 (VCV002444157.1), dbSNP rs2525386009, ClinGen allele CA341172614.
Genomic context (GRCh38, chr1:103,004,461, plus strand): 5'-AAAACTAGAAATATTACTTAAAAATAAAAAGTAAGTTGCTTACAGCTTCACCTGGAAGAC[C>G]TCTTGGTCCAATTTCTCCATCTTCTCCCTGTCATTGACAAAATGAATGAGAGTATAGAAC-3'
Protein context (NP_001845.3, residues 633-653): RGEDGEIGPR[Gly643Arg]LPGEAGPRGL